The following is an entry in ClinVar:

ClinVar aggregate classification (germline): Likely pathogenic (1 of 4 stars; one submission).

Conditions:
Ataxia-telangiectasia syndrome (AT). Also called: AT, COMPLEMENTATION GROUP C; Ataxia-telangiectasia, complementation group D; ATAXIA-TELANGIECTASIA, COMPLEMENTATION GROUP A; ATAXIA-TELANGIECTASIA, FRESNO VARIANT; Ataxia-telangiectasia; Ataxia-telangiectasia, complementation group E. Identifiers: Orphanet 100, MedGen C0004135, MONDO:0008840, OMIM 208900.

Submission:

Laboratory for Molecular Medicine, Mass General Brigham Personalized Medicine
Classification: Likely pathogenic for Ataxia-telangiectasia syndrome. Last evaluated: 2022-08-26. Review status: criteria provided, single submitter. Criteria: ACMG Guidelines, 2015. Collection method: clinical testing. Allele origin: germline.
Comment: The p.Tyr2677X in ATM has not been previously reported in individuals with ataxia-telangiectasia or individuals with hereditary breast cancer, and was absent from large population studies. This nonsense variant leads to a premature termination codon at position 2677, which is predicted to lead to a truncated or absent protein. Loss of function variants in ATM is are known to be disease causing. In summary, although additional studies are required to fully establish its clinical significance, this variant meets criteria to be classified as likely pathogenic for autosomal recessive ataxia-telangiectasia. Additionally, carriers of pathogenic ATM variants may be at increased risk for developing cancers (Gatti 1999 PMID: 20301790, van Os 2016 PMID: 26662178). ACMG/AMP criteria applied: PVS1; PM2_Supporting.

NM_000051.4(ATM):c.8031T>G (p.Tyr2677Ter)

Genes: ATM (ATM serine/threonine kinase; plus strand), C11orf65 (chromosome 11 open reading frame 65; minus strand). Cytogenetic location: 11q22.3.
Variant type: single nucleotide variant.
Coding change: c.8031T>G on transcript NM_000051.4 (MANE Select); coding-DNA position 8031, T replaced by G.
Protein change: p.Tyr2677Ter; replaces tyrosine 2677 with a stop codon.
Molecular consequence: nonsense. On other transcripts: intron variant (2).
Genome position (GRCh38, 1-based): chr11:108,334,989, T>G. VCF-style: chr11-108334989-T-G. GRCh37 (hg19) VCF-style: chr11-108205716-T-G.
Other names: c.8031T>G, p.Tyr2677Ter (NM_001351834.2); c.641-25918A>C (NM_001330368.2); c.*38+231A>C (NM_001351110.2); short protein forms Y2677*.
Identifiers: ClinVar variation 3075875 (VCV003075875.1), dbSNP rs2547328641, ClinGen allele CA382561879.